The following is an entry in ClinVar:

NM_004982.4(KCNJ8):c.121G>A (p.Gly41Arg)

Genes: KCNJ8 (potassium inwardly rectifying channel subfamily J member 8; minus strand), KCNJ8-AS1 (KCNJ8 antisense RNA 1; plus strand). Cytogenetic location: 12p12.1.
Variant type: single nucleotide variant.
Coding change: c.121G>A on transcript NM_004982.4 (MANE Select); coding-DNA position 121, G replaced by A.
Protein change: p.Gly41Arg; replaces glycine 41 with arginine.
Molecular consequence: missense variant.
Genome position (GRCh38, 1-based): chr12:21,773,496, C>T on the plus strand (G>A on the coding strand, the complement: KCNJ8 is on the minus strand). VCF-style: chr12-21773496-C-T. GRCh37 (hg19) VCF-style: chr12-21926430-C-T.
Other names: short protein forms G41R.
Identifiers: ClinVar variation 3532519 (VCV003532519.1).

ClinVar aggregate classification (germline): Uncertain significance (1 of 4 stars; one submission).

Conditions:
Cardiovascular phenotype. Identifiers: MedGen CN230736.

Submission:

Ambry Genetics
Classification: Uncertain significance for Cardiovascular phenotype. Last evaluated: 2024-10-28. Review status: criteria provided, single submitter. Criteria: Ambry Variant Classification Scheme 2023. Collection method: clinical testing. Allele origin: germline.
Comment: The p.G41R variant (also known as c.121G>A), located in coding exon 1 of the KCNJ8 gene, results from a G to A substitution at nucleotide position 121. The glycine at codon 41 is replaced by arginine, an amino acid with dissimilar properties. This amino acid position is conserved. In addition, this alteration is predicted to be deleterious by in silico analysis. Based on the available evidence, the clinical significance of this variant remains unclear.